The following is an entry in ClinVar:

ClinVar aggregate classification (germline): Uncertain significance (1 of 4 stars; one submission).

Conditions:
Neuronal ceroid lipofuscinosis. Also called: Neuronal Ceroid Lipofuscinoses. Identifiers: Orphanet 216, Orphanet 79263, MedGen C0027877, MONDO:0016295. Disease mechanism: loss of function.

Submission:

Labcorp Genetics (formerly Invitae), Labcorp
Classification: Uncertain significance for Neuronal ceroid lipofuscinosis. Last evaluated: 2022-09-07. Review status: criteria provided, single submitter. Criteria: Invitae Variant Classification Sherloc (09022015). Collection method: clinical testing. Allele origin: germline.
Comment: This sequence change replaces leucine, which is neutral and non-polar, with phenylalanine, which is neutral and non-polar, at codon 407 of the CLN5 protein (p.Leu407Phe). In summary, the available evidence is currently insufficient to determine the role of this variant in disease. Therefore, it has been classified as a Variant of Uncertain Significance. Algorithms developed to predict the effect of missense changes on protein structure and function output the following: SIFT: "Tolerated"; PolyPhen-2: "Possibly Damaging"; Align-GVGD: "Class C0". The phenylalanine amino acid residue is found in multiple mammalian species, which suggests that this missense change does not adversely affect protein function. ClinVar contains an entry for this variant (Variation ID: 527733). This variant has not been reported in the literature in individuals affected with CLN5-related conditions. This variant is not present in population databases (gnomAD no frequency).

NM_006493.4(CLN5):c.1074A>T (p.Leu358Phe)

Gene: CLN5 (CLN5 lysosomal BMP synthase; plus strand). Cytogenetic location: 13q22.3.
Variant type: single nucleotide variant.
Coding change: c.1074A>T on transcript NM_006493.4 (MANE Select); coding-DNA position 1074, A replaced by T.
Protein change: p.Leu358Phe; replaces leucine 358 with phenylalanine.
Molecular consequence: missense variant. On other transcripts: 3 prime UTR variant (1).
Genome position (GRCh38, 1-based): chr13:77,000,966, A>T. VCF-style: chr13-77000966-A-T. GRCh37 (hg19) VCF-style: chr13-77575101-A-T.
Other names: c.*523A>T (NM_001366624.2); c.1221A>T (LRG_692t1); short protein forms L358F.
Identifiers: ClinVar variation 527733 (VCV000527733.8), dbSNP rs1555274416, ClinGen allele CA388315072.